The following is an entry in ClinVar:

ClinVar aggregate classification (germline): Uncertain significance (1 of 4 stars; one submission).

Conditions:
Atrial fibrillation, familial, 7 (ATFB7). Identifiers: MedGen C2677106, MONDO:0012828, OMIM 612240.

Allele frequency attached by ClinVar (database versions not stated): ExAC 0.00002.

Submission:

Labcorp Genetics (formerly Invitae), Labcorp
Classification: Uncertain significance for Atrial fibrillation, familial, 7. Last evaluated: 2022-07-29. Review status: criteria provided, single submitter. Criteria: Invitae Variant Classification Sherloc (09022015). Collection method: clinical testing. Allele origin: germline.
Comment: This sequence change replaces aspartic acid, which is acidic and polar, with glutamic acid, which is acidic and polar, at codon 194 of the KCNA5 protein (p.Asp194Glu). This variant is present in population databases (rs775398772, gnomAD 0.02%). This variant has not been reported in the literature in individuals affected with KCNA5-related conditions. Algorithms developed to predict the effect of missense changes on protein structure and function are either unavailable or do not agree on the potential impact of this missense change (SIFT: "Deleterious"; PolyPhen-2: "Benign"; Align-GVGD: "Class C0"). In summary, the available evidence is currently insufficient to determine the role of this variant in disease. Therefore, it has been classified as a Variant of Uncertain Significance.

NM_002234.4(KCNA5):c.582C>A (p.Asp194Glu)

Gene: KCNA5 (potassium voltage-gated channel subfamily A member 5; plus strand). Cytogenetic location: 12p13.32.
Variant type: single nucleotide variant.
Coding change: c.582C>A on transcript NM_002234.4 (MANE Select); coding-DNA position 582, C replaced by A.
Protein change: p.Asp194Glu; replaces aspartic acid 194 with glutamic acid.
Molecular consequence: missense variant.
Genome position (GRCh38, 1-based): chr12:5,044,729, C>A. VCF-style: chr12-5044729-C-A. GRCh37 (hg19) VCF-style: chr12-5153895-C-A.
Other names: short protein forms D194E.
Identifiers: ClinVar variation 1988061 (VCV001988061.4), dbSNP rs775398772, ClinGen allele CA6399661.
Genomic context (GRCh38, chr12:5,044,729, plus strand): 5'-TATCCTCTACTACTACCAGTCCGGGGGCCGCCTGCGGAGGCCGGTCAACGTCTCCCTGGA[C>A]GTGTTCGCGGACGAGATACGCTTCTACCAGCTGGGGGACGAGGCCATGGAGCGCTTCCGC-3'
Protein context (NP_002225.2, residues 184-204): RLRRPVNVSL[Asp194Glu]VFADEIRFYQ